The following is an entry in ClinVar:

ClinVar aggregate classification (germline): Uncertain significance (1 of 4 stars; one submission).

Conditions:
Parathyroid carcinoma (PRTC). Also called: Parathyroid gland carcinoma; CDC73-Related Parathyroid Carcinoma. Identifiers: Orphanet 143, MedGen C0687150, MONDO:0012004, OMIM 608266, HP:0006780.

Submission:

Labcorp Genetics (formerly Invitae), Labcorp
Classification: Uncertain significance for Parathyroid carcinoma. Last evaluated: 2023-12-12. Review status: criteria provided, single submitter. Criteria: Invitae Variant Classification Sherloc (09022015). Collection method: clinical testing. Allele origin: germline.
Comment: This sequence change replaces isoleucine, which is neutral and non-polar, with phenylalanine, which is neutral and non-polar, at codon 60 of the CDC73 protein (p.Ile60Phe). This variant is not present in population databases (gnomAD no frequency). This variant has not been reported in the literature in individuals affected with CDC73-related conditions. Advanced modeling of protein sequence and biophysical properties (such as structural, functional, and spatial information, amino acid conservation, physicochemical variation, residue mobility, and thermodynamic stability) has been performed at Invitae for this missense variant, however the output from this modeling did not meet the statistical confidence thresholds required to predict the impact of this variant on CDC73 protein function. In summary, the available evidence is currently insufficient to determine the role of this variant in disease. Therefore, it has been classified as a Variant of Uncertain Significance.

NM_024529.5(CDC73):c.178A>T (p.Ile60Phe)

Gene: CDC73 (cell division cycle 73; plus strand). Cytogenetic location: 1q31.2.
Variant type: single nucleotide variant.
Coding change: c.178A>T on transcript NM_024529.5 (MANE Select); coding-DNA position 178, A replaced by T.
Protein change: p.Ile60Phe; replaces isoleucine 60 with phenylalanine.
Molecular consequence: missense variant.
Genome position (GRCh38, 1-based): chr1:193,125,158, A>T. VCF-style: chr1-193125158-A-T. GRCh37 (hg19) VCF-style: chr1-193094288-A-T.
Other names: short protein forms I60F.
Identifiers: ClinVar variation 2701273 (VCV002701273.3), dbSNP rs1572142567, ClinGen allele CA343973133.